The following is an entry in ClinVar:

NM_001371986.1(UNC80):c.3089G>A (p.Arg1030His)

Gene: UNC80 (unc-80 homolog, NALCN channel complex subunit; plus strand). Cytogenetic location: 2q34.
Variant type: single nucleotide variant.
Coding change: c.3089G>A on transcript NM_001371986.1 (MANE Select); coding-DNA position 3089, G replaced by A.
Protein change: p.Arg1030His; replaces arginine 1030 with histidine.
Molecular consequence: missense variant.
Genome position (GRCh38, 1-based): chr2:209,839,269, G>A. VCF-style: chr2-209839269-G-A. GRCh37 (hg19) VCF-style: chr2-210703993-G-A.
Other names: c.3089G>A, p.Arg1030His (NM_032504.2); c.3074G>A, p.Arg1025His (NM_182587.4); c.3089G>A (NM_032504.1); short protein forms R1025H, R1030H.
Identifiers: ClinVar variation 1392043 (VCV001392043.5), dbSNP rs994534779, ClinGen allele CA64685092.

ClinVar aggregate classification (germline): Uncertain significance. Review status: criteria provided, multiple submitters, no conflicts (2 of 4 stars). 2 submissions from 2 submitters: Uncertain significance (2). Last evaluated 2023-11-15.

Conditions:
Inborn genetic diseases. Identifiers: MedGen C0950123, MeSH D030342.

Allele frequency attached by ClinVar (database versions not stated): TOPMed 0.00002; gnomAD 0.00001; gnomAD exomes 0.00001.
gnomAD v4.1: 14 of 1,551,464 alleles (0.0009%); highest among the groups gnomAD compares: South Asian, 0.0024%; no homozygotes.

Submissions (2):

Labcorp Genetics (formerly Invitae), Labcorp
Classification: Uncertain significance. Last evaluated: 2023-11-15. Review status: criteria provided, single submitter. Criteria: Invitae Variant Classification Sherloc (09022015). Collection method: clinical testing. Allele origin: germline.
Comment: This sequence change replaces arginine, which is basic and polar, with histidine, which is basic and polar, at codon 1030 of the UNC80 protein (p.Arg1030His). This variant is not present in population databases (gnomAD no frequency). This variant has not been reported in the literature in individuals affected with UNC80-related conditions. ClinVar contains an entry for this variant (Variation ID: 1392043). An algorithm developed to predict the effect of missense changes on protein structure and function (PolyPhen-2) suggests that this variant is likely to be disruptive. In summary, the available evidence is currently insufficient to determine the role of this variant in disease. Therefore, it has been classified as a Variant of Uncertain Significance.

Ambry Genetics
Classification: Uncertain significance for Inborn genetic diseases. Last evaluated: 2022-10-04. Review status: criteria provided, single submitter. Criteria: Ambry Variant Classification Scheme 2023. Collection method: clinical testing. Allele origin: germline.